The following is an entry in ClinVar:

ClinVar aggregate classification (germline): Pathogenic/Likely pathogenic. Review status: criteria provided, multiple submitters, no conflicts (2 of 4 stars). 2 submissions from 2 submitters: Pathogenic (1); Likely pathogenic (1). Last evaluated 2024-06-04.

Conditions:
Galactosylceramide beta-galactosidase deficiency. Also called: Krabbe Disease; Leukodystrophy, Globoid Cell; GALACTOCEREBROSIDASE DEFICIENCY; GALC DEFICIENCY; GLOBOID CELL LEUKOENCEPHALOPATHY. Identifiers: Orphanet 487, MedGen C0023521, MONDO:0009499, OMIM 245200.

Submissions (2):

Fulgent Genetics
Classification: Likely pathogenic for Galactosylceramide beta-galactosidase deficiency. Last evaluated: 2024-06-04. Review status: criteria provided, single submitter. Criteria: ACMG Guidelines, 2015. Collection method: clinical testing. Allele origin: germline.

Labcorp Genetics (formerly Invitae), Labcorp
Classification: Pathogenic for Galactosylceramide beta-galactosidase deficiency. Last evaluated: 2019-09-25. Review status: criteria provided, single submitter. Criteria: Invitae Variant Classification Sherloc (09022015). Collection method: clinical testing. Allele origin: germline.
Comment: This sequence change creates a premature translational stop signal (p.Ser226Lysfs*2) in the GALC gene. It is expected to result in an absent or disrupted protein product. For these reasons, this variant has been classified as Pathogenic. Loss-of-function variants in GALC are known to be pathogenic (PMID: 7437911, 9272171, 16607461). This variant has not been reported in the literature in individuals with GALC-related conditions. This variant is not present in population databases (ExAC no frequency).

Literature cited by the submitters: PubMed 7437911 (cited by Labcorp Genetics (formerly Invitae), Labcorp); PubMed 9272171 (cited by Labcorp Genetics (formerly Invitae), Labcorp); PubMed 16607461 (cited by Labcorp Genetics (formerly Invitae), Labcorp).

NM_000153.4(GALC):c.674dup (p.Ser226fs)

Gene: GALC (galactosylceramidase; minus strand). Cytogenetic location: 14q31.3.
Variant type: Duplication.
Coding change: c.674dup on transcript NM_000153.4 (MANE Select); coding-DNA position 674, one base duplicated (C; older notation c.674dupC).
Protein change: p.Ser226fs; shifts the reading frame from serine 226.
Molecular consequence: frameshift variant.
Genome position (GRCh38, 1-based): chr14:87,976,436, G duplicated on the plus strand (C on the coding strand, the reverse complement: GALC is on the minus strand). VCF-style (leftmost placement, unchanged base first): chr14-87976435-T-TG. GRCh37 (hg19) VCF-style: chr14-88442779-T-TG.
Other names: c.605dup, p.Ser203fs (NM_001201401.2); c.596dup, p.Ser200fs (NM_001201402.2); short protein forms S203fs, S226fs, S200fs.
Identifiers: ClinVar variation 936833 (VCV000936833.9), dbSNP rs1886496591, ClinGen allele CA1139663600.
Genomic context (GRCh38, chr14:87,976,435, plus strand): 5'-CTTGAAGAGTTCGGCATCAAGGAGCATGGATGCAGAGATGGACTCCCAGAGATTATCACT[T>TG]GCTATGATTTTCACTCGCTGGAGACCTTGATAATTCAGCATTTTTCTTAATATCTTTTGG-3'